The following is an entry in ClinVar:

NM_021942.6(TRAPPC11):c.3185A>G (p.Lys1062Arg)

Gene: TRAPPC11 (trafficking protein particle complex subunit 11; plus strand). Cytogenetic location: 4q35.1.
Variant type: single nucleotide variant.
Coding change: c.3185A>G on transcript NM_021942.6 (MANE Select); coding-DNA position 3185, A replaced by G.
Protein change: p.Lys1062Arg; replaces lysine 1062 with arginine.
Molecular consequence: missense variant.
Genome position (GRCh38, 1-based): chr4:183,706,936, A>G. VCF-style: chr4-183706936-A-G. GRCh37 (hg19) VCF-style: chr4-184628089-A-G.
Other names: c.3185A>G, p.Lys1062Arg (NM_199053.3); short protein forms K1062R.
Identifiers: ClinVar variation 964831 (VCV000964831.10), dbSNP rs551167738, ClinGen allele CA111869275.

ClinVar aggregate classification (germline): Uncertain significance. Review status: criteria provided, multiple submitters, no conflicts (2 of 4 stars). 2 submissions from 2 submitters: Uncertain significance (2). Last evaluated 2024-08-13.

Conditions:
Autosomal recessive limb-girdle muscular dystrophy type R18 (LGMDR18). Also called: MUSCULAR DYSTROPHY, LIMB-GIRDLE, AUTOSOMAL RECESSIVE 18; Autosomal recessive limb-girdle muscular dystrophy type 2S; Limb-girdle muscular dystrophy, type 2S. Identifiers: Orphanet 369840, MedGen C4517996, MONDO:0014144, OMIM 615356.

Allele frequency attached by ClinVar (database versions not stated): gnomAD exomes below 0.00001; gnomAD 0.00001 and 0.00003; TOPMed 0.00001; 1000 Genomes Project 30x 0.00016; 1000 Genomes Project 0.00020.
gnomAD v4.1: 39 of 1,614,120 alleles (0.0024%); highest among the groups gnomAD compares: East Asian, 0.074%; no homozygotes.

Submissions (2):

GeneDx
Classification: Uncertain significance. Last evaluated: 2024-08-13. Review status: criteria provided, single submitter. Criteria: GeneDx Variant Classification Process June 2021. Collection method: clinical testing. Allele origin: germline. Affected: yes.
Comment: Not observed at significant frequency in large population cohorts (gnomAD); In silico analysis supports that this missense variant has a deleterious effect on protein structure/function; Has not been previously published as pathogenic or benign to our knowledge

Labcorp Genetics (formerly Invitae), Labcorp
Classification: Uncertain significance for Autosomal recessive limb-girdle muscular dystrophy type R18. Last evaluated: 2023-08-17. Review status: criteria provided, single submitter. Criteria: Invitae Variant Classification Sherloc (09022015). Collection method: clinical testing. Allele origin: germline.
Comment: This sequence change replaces lysine, which is basic and polar, with arginine, which is basic and polar, at codon 1062 of the TRAPPC11 protein (p.Lys1062Arg). This variant is present in population databases (rs551167738, gnomAD 0.01%). This variant has not been reported in the literature in individuals affected with TRAPPC11-related conditions. ClinVar contains an entry for this variant (Variation ID: 964831). Advanced modeling of protein sequence and biophysical properties (such as structural, functional, and spatial information, amino acid conservation, physicochemical variation, residue mobility, and thermodynamic stability) performed at Invitae indicates that this missense variant is not expected to disrupt TRAPPC11 protein function. In summary, the available evidence is currently insufficient to determine the role of this variant in disease. Therefore, it has been classified as a Variant of Uncertain Significance.